The following is an entry in ClinVar:

NM_014714.4(IFT140):c.3496A>G (p.Ile1166Val)

Gene: IFT140 (intraflagellar transport 140; minus strand). Cytogenetic location: 16p13.3.
Variant type: single nucleotide variant.
Coding change: c.3496A>G on transcript NM_014714.4 (MANE Select); coding-DNA position 3496, A replaced by G.
Protein change: p.Ile1166Val; replaces isoleucine 1166 with valine.
Molecular consequence: missense variant.
Genome position (GRCh38, 1-based): chr16:1,520,766, T>C on the plus strand (A>G on the coding strand, the complement: IFT140 is on the minus strand). VCF-style: chr16-1520766-T-C. GRCh37 (hg19) VCF-style: chr16-1570767-T-C.
Other names: short protein forms I1166V.
Identifiers: ClinVar variation 1981361 (VCV001981361.1), dbSNP rs779369384, ClinGen allele CA7813135.

ClinVar aggregate classification (germline): Uncertain significance (1 of 4 stars; one submission).

Conditions:
Saldino-Mainzer syndrome (SRTD9). Also called: Renal dysplasia, retinal pigmentary dystrophy, cerebellar ataxia and skeletal dysplasia; CONORENAL SYNDROME; short-rib thoracic dysplasia 9 with or without polydactyly; SHORT-RIB THORACIC DYSPLASIA 9 WITHOUT POLYDACTYLY. Identifiers: Orphanet 140969, MedGen C1849437, MONDO:0009964, OMIM 266920.

Allele frequency attached by ClinVar (database versions not stated): ExAC 0.00001; gnomAD 0.00001; TOPMed 0.00001.
gnomAD v4.1: 10 of 1,608,034 alleles (0.00062%); highest among the groups gnomAD compares: Admixed American, 0.005%; no homozygotes.

Submission:

Labcorp Genetics (formerly Invitae), Labcorp
Classification: Uncertain significance for Saldino-Mainzer syndrome. Last evaluated: 2021-12-24. Review status: criteria provided, single submitter. Criteria: Invitae Variant Classification Sherloc (09022015). Collection method: clinical testing. Allele origin: germline.
Comment: This sequence change replaces isoleucine, which is neutral and non-polar, with valine, which is neutral and non-polar, at codon 1166 of the IFT140 protein (p.Ile1166Val). This variant is present in population databases (rs779369384, gnomAD 0.01%). This variant has not been reported in the literature in individuals affected with IFT140-related conditions. Algorithms developed to predict the effect of missense changes on protein structure and function (SIFT, PolyPhen-2, Align-GVGD) all suggest that this variant is likely to be tolerated. In summary, the available evidence is currently insufficient to determine the role of this variant in disease. Therefore, it has been classified as a Variant of Uncertain Significance.